The following is an entry in ClinVar:

ClinVar aggregate classification (germline): Likely benign (1 of 4 stars; one submission).

Allele frequency attached by ClinVar (database versions not stated): gnomAD exomes 0.00065; 1000 Genomes Project 0.00599; 1000 Genomes Project 30x 0.00625; gnomAD 0.00636 and 0.00691; TOPMed 0.00685.
gnomAD v4.1: 1,405 of 810,850 alleles (0.17%); highest among the groups gnomAD compares: African/African-American, 2.2%; 19 homozygotes.

Submission:

GeneDx
Classification: Likely benign. Last evaluated: 2021-05-26. Review status: criteria provided, single submitter. Criteria: GeneDx Variant Classification Process June 2021. Collection method: clinical testing. Allele origin: germline. Affected: yes.
Comment: See Variant Classification Assertion Criteria.

NM_001082971.2(DDC):c.1042-111G>A

Gene: DDC (dopa decarboxylase; minus strand). Cytogenetic location: 7p12.2.
Variant type: single nucleotide variant.
Coding change: c.1042-111G>A on transcript NM_001082971.2 (MANE Select); 111 bases into the intron before coding-DNA position 1042, G replaced by A.
Molecular consequence: intron variant.
Genome position (GRCh38, 1-based): chr7:50,470,282, C>T on the plus strand (G>A on the coding strand, the complement: DDC is on the minus strand). VCF-style: chr7-50470282-C-T. GRCh37 (hg19) VCF-style: chr7-50537980-C-T.
Other names: c.808-111G>A (NM_001242888.2); c.928-111G>A (NM_001242886.2); c.763-111G>A (NM_001242889.2); c.898-111G>A (NM_001242887.2); c.1042-111G>A (NM_000790.4).
Identifiers: ClinVar variation 1678663 (VCV001678663.2), dbSNP rs112093238, ClinGen allele CA158224385.
Genomic context (GRCh38, chr7:50,470,282, plus strand): 5'-GCTTCCTTTTCGGCTCACCGGCTCGCCTATTTCTCTTGGAGGCAGCCGATTCCCTGGTGG[C>T]CAACCTGCTCCCATTGCCATGGCCTGTCTTGGATGGCAGGGCCCTCGGTGATGTGGGCAG-3'